The following is an entry in ClinVar:

ClinVar aggregate classification (germline): Uncertain significance (1 of 4 stars; one submission).

Submission:

Ambry Genetics
Classification: Uncertain significance. Last evaluated: 2022-06-04. Review status: criteria provided, single submitter. Criteria: Ambry Variant Classification Scheme 2023. Collection method: clinical testing. Allele origin: germline.
Comment: The p.S1329F variant (also known as c.3986C>T), located in coding exon 4 of the ALPK2 gene, results from a C to T substitution at nucleotide position 3986. The serine at codon 1329 is replaced by phenylalanine, an amino acid with highly dissimilar properties. This amino acid position is conserved. In addition, this alteration is predicted to be tolerated by in silico analysis. Since supporting evidence is limited at this time, the clinical significance of this alteration remains unclear.

NM_052947.4(ALPK2):c.3986C>T (p.Ser1329Phe)

Genes: ALPK2 (alpha kinase 2; minus strand), LOC126862764 (BRD4-independent group 4 enhancer GRCh37_chr18:56202574-56203773; plus strand). Cytogenetic location: 18q21.31.
Variant type: single nucleotide variant.
Coding change: c.3986C>T on transcript NM_052947.4 (MANE Select); coding-DNA position 3986, C replaced by T.
Protein change: p.Ser1329Phe; replaces serine 1329 with phenylalanine.
Molecular consequence: missense variant.
Genome position (GRCh38, 1-based): chr18:58,536,201, G>A on the plus strand (C>T on the coding strand, the complement: ALPK2 is on the minus strand). VCF-style: chr18-58536201-G-A. GRCh37 (hg19) VCF-style: chr18-56203433-G-A.
Other names: short protein forms S1329F.
Identifiers: ClinVar variation 1736730 (VCV001736730.2), dbSNP rs2518875630, ClinGen allele CA402564871.